The following is an entry in ClinVar:

NM_001267550.2(TTN):c.97315C>A (p.Gln32439Lys)

Genes: TTN (titin; minus strand), TTN-AS1 (TTN antisense RNA 1; plus strand). Cytogenetic location: 2q31.2.
Variant type: single nucleotide variant.
Coding change: c.97315C>A on transcript NM_001267550.2 (MANE Select); coding-DNA position 97315, C replaced by A.
Protein change: p.Gln32439Lys; replaces glutamine 32439 with lysine.
Molecular consequence: missense variant.
Genome position (GRCh38, 1-based): chr2:178,542,441, G>T on the plus strand (C>A on the coding strand, the complement: TTN is on the minus strand). VCF-style: chr2-178542441-G-T. GRCh37 (hg19) VCF-style: chr2-179407168-G-T.
Other names: c.92392C>A, p.Gln30798Lys (NM_001256850.1); c.70120C>A, p.Gln23374Lys (NM_003319.4); c.89611C>A, p.Gln29871Lys (NM_133378.4); c.70495C>A, p.Gln23499Lys (NM_133432.3); c.70696C>A, p.Gln23566Lys (NM_133437.4); short protein forms Q23566K, Q29871K, Q32439K, Q23374K, Q23499K, Q30798K.
Identifiers: ClinVar variation 1756691 (VCV001756691.2), dbSNP rs767837705, ClinGen allele CA1986580.
Genomic context (GRCh38, chr2:178,542,441, plus strand): 5'-ACGTGGACCTAGTCACTGATTCAGAAACGGGCAGCCATCCTGGACGATGAGCGTCACGTT[G>T]TTCTACCACATAACCACTCAGTGGAGCACCACCGTCCAATTCAGGTGGTTCCCAGGAAAT-3'
Protein context (NP_001254479.2, residues 32429-32449): GAPLSGYVVE[Gln32439Lys]RDAHRPGWLP

ClinVar aggregate classification (germline): Uncertain significance (1 of 4 stars; one submission).

Conditions:
Cardiovascular phenotype. Identifiers: MedGen CN230736.

Allele frequency attached by ClinVar (database versions not stated): gnomAD 0.00001.

Submission:

Ambry Genetics
Classification: Uncertain significance for Cardiovascular phenotype. Last evaluated: 2019-11-13. Review status: criteria provided, single submitter. Criteria: Ambry Variant Classification Scheme 2023. Collection method: clinical testing. Allele origin: germline.
Comment: The p.Q23374K variant (also known as c.70120C>A), located in coding exon 176 of the TTN gene, results from a C to A substitution at nucleotide position 70120. The glutamine at codon 23374 is replaced by lysine, an amino acid with similar properties. This amino acid position is highly conserved in available vertebrate species. In addition, this alteration is predicted to be tolerated by in silico analysis. Since supporting evidence is limited at this time, the clinical significance of this alteration remains unclear.